The following is an entry in ClinVar:

NM_020320.5(RARS2):c.1442A>G (p.Tyr481Cys)

Gene: RARS2 (arginyl-tRNA synthetase 2, mitochondrial; minus strand). Cytogenetic location: 6q15.
Variant type: single nucleotide variant.
Coding change: c.1442A>G on transcript NM_020320.5 (MANE Select); coding-DNA position 1442, A replaced by G.
Protein change: p.Tyr481Cys; replaces tyrosine 481 with cysteine.
Molecular consequence: missense variant. On other transcripts: non-coding transcript variant (19).
Genome position (GRCh38, 1-based): chr6:87,518,238, T>C on the plus strand (A>G on the coding strand, the complement: RARS2 is on the minus strand). VCF-style: chr6-87518238-T-C. GRCh37 (hg19) VCF-style: chr6-88227956-T-C.
Other names: c.917A>G, p.Tyr306Cys (NM_001318785.2, NM_001350506.2, NM_001350507.2 and 4 more transcripts); c.1442A>G, p.Tyr481Cys (NM_001350505.2); short protein forms Y481C, Y306C.
Identifiers: ClinVar variation 424597 (VCV000424597.5), dbSNP rs775657290, ClinGen allele CA3916268.
Genomic context (GRCh38, chr6:87,518,238, plus strand): 5'-TGCTGAAGAATTGAAACAGACTGTGGCTCTTGTAAACAAGCAGTGTTGAAGTCATTCAGG[T>C]ACCCACATCCAAAAGTCTCTTCCAAACTTATCAAAAGTTTAAAGTTAAAAACATCAAAAG-3'
Protein context (NP_064716.2, residues 471-491): HSLEETFGCG[Tyr481Cys]LNDFNTACLQ

ClinVar aggregate classification (germline): Uncertain significance. Review status: criteria provided, multiple submitters, no conflicts (2 of 4 stars). 3 submissions from 3 submitters: Uncertain significance (2). 1 of the submissions does not count toward it. Last evaluated 2024-12-06.

Conditions:
Pontocerebellar hypoplasia type 6 (PCH6). Identifiers: Orphanet 166073, MedGen C1969084, MONDO:0012683, OMIM 611523.

Allele frequency attached by ClinVar (database versions not stated): ExAC 0.00001; gnomAD exomes 0.00001 and 0.00002; TOPMed 0.00001.
gnomAD v4.1: 17 of 1,614,164 alleles (0.0011%); highest among the groups gnomAD compares: Middle Eastern, 0.082%; 1 homozygote.

Submissions (3):

GeneDx
Classification: Uncertain significance. Last evaluated: 2024-12-06. Review status: criteria provided, single submitter. Criteria: GeneDx Variant Classification Process June 2021. Collection method: clinical testing. Allele origin: germline. Affected: yes.
Comment: Not observed at significant frequency in large population cohorts (gnomAD); In silico analysis indicates that this missense variant does not alter protein structure/function; Identified in a heterozygous state in a patient with early-onset colorectal cancer who underwent whole exome sequencing (PMID: 30809968); This variant is associated with the following publications: (PMID: 30809968)

Breakthrough Genomics
Classification: Uncertain significance. Review status: criteria provided, single submitter. Criteria: ACMG Guidelines, 2015. Collection method: not provided. Allele origin: germline. Inheritance: Autosomal recessive inheritance. Affected: yes.

Natera, Inc.
Classification: Uncertain significance for Pontocerebellar hypoplasia, type 6. Last evaluated: 2019-11-11. Review status: no assertion criteria provided. Collection method: clinical testing. Allele origin: germline. Not counted in ClinVar's aggregate classification.